The following is an entry in ClinVar:

NM_018344.6(SLC29A3):c.300+2T>C

Gene: SLC29A3 (solute carrier family 29 member 3; plus strand). Cytogenetic location: 10q22.1.
Variant type: single nucleotide variant.
Coding change: c.300+2T>C on transcript NM_018344.6 (MANE Select); the canonical splice donor site of the intron after coding-DNA position 300, T replaced by C.
Molecular consequence: splice donor variant.
Genome position (GRCh38, 1-based): chr10:71,323,056, T>C. VCF-style: chr10-71323056-T-C. GRCh37 (hg19) VCF-style: chr10-73082813-T-C.
Other names: c.66+2T>C (NM_001363518.2); c.300+2T>C (NM_001174098.2).
Identifiers: ClinVar variation 1451137 (VCV001451137.6), dbSNP rs2131797156, ClinGen allele CA377129504.
Genomic context (GRCh38, chr10:71,323,056, plus strand): 5'-AACTCCGCAACTCCTCCAGCCCAGCCACCGGGGAGGACCCTGAGGGCTCAGACATCCTGG[T>C]AAGGGCATGTTTCTCCTGCAAGGCTGGTGGGAGCATACAGAGGCCTCATGCCTCACATGC-3'

ClinVar aggregate classification (germline): Pathogenic (1 of 4 stars; one submission).

Conditions:
H syndrome. Also called: Asrar Facharzt Haque syndrome; Histiocytosis with joint contractures and sensorineural deafness; Pigmented hypertrichosis and insulin-dependent diabetes mellitus; FAISALABAD HISTIOCYTOSIS; HISTIOCYTOSIS AND LYMPHADENOPATHY WITH OR WITHOUT CUTANEOUS, CARDIAC, AND/OR ENDOCRINE FEATURES, JOINT CONTRACTURES, AND/OR DEAFNESS; HYPERPIGMENTATION, CUTANEOUS, WITH HYPERTRICHOSIS, HEPATOSPLENOMEGALY, HEART ANOMALIES, AND HYPOGONADISM WITH OR WITHOUT HEARING LOSS. Identifiers: Orphanet 168569, MedGen C1864445, MONDO:0011273, OMIM 602782.

Submission:

Labcorp Genetics (formerly Invitae), Labcorp
Classification: Pathogenic for H syndrome. Last evaluated: 2021-11-14. Review status: criteria provided, single submitter. Criteria: Invitae Variant Classification Sherloc (09022015). Collection method: clinical testing. Allele origin: germline.
Comment: Disruption of this splice site has been observed in individuals with clinical features of SLC29A3-related conditions (PMID: 20140240, 27215564). This variant is not present in population databases (gnomAD no frequency). This sequence change affects a donor splice site in intron 2 of the SLC29A3 gene. It is expected to disrupt RNA splicing. Variants that disrupt the donor or acceptor splice site typically lead to a loss of protein function (PMID: 16199547), and loss-of-function variants in SLC29A3 are known to be pathogenic (PMID: 19336477, 20595384, 23406517, 25963354). For these reasons, this variant has been classified as Pathogenic. Algorithms developed to predict the effect of sequence changes on RNA splicing suggest that this variant may disrupt the consensus splice site.

Literature cited by the submitters: PubMed 20140240; PubMed 27215564; PubMed 16199547; PubMed 19336477; PubMed 20595384; PubMed 23406517; PubMed 25963354.